The following is an entry in ClinVar:

NM_001003787.4(STRADA):c.1154G>A (p.Arg385His)

Gene: STRADA (STE20 related adaptor alpha; minus strand). Cytogenetic location: 17q23.3.
Variant type: single nucleotide variant.
Coding change: c.1154G>A on transcript NM_001003787.4 (MANE Select); coding-DNA position 1154, G replaced by A.
Protein change: p.Arg385His; replaces arginine 385 with histidine.
Molecular consequence: missense variant. On other transcripts: 3 prime UTR variant (6), synonymous variant (1), non-coding transcript variant (1).
Genome position (GRCh38, 1-based): chr17:63,703,741, C>T on the plus strand (G>A on the coding strand, the complement: STRADA is on the minus strand). VCF-style: chr17-63703741-C-T. GRCh37 (hg19) VCF-style: chr17-61781101-C-T.
Other names: c.1043G>A, p.Arg348His (NM_001003786.3); c.980G>A, p.Arg327His (NM_001003788.3); c.*31G>A (NM_001165969.2, NM_001165970.2, NM_001363788.1 and 2 more transcripts); c.1130G>A, p.Arg377His (NM_001363786.1); c.1067G>A, p.Arg356His (NM_001363787.1); c.846G>A, p.Thr282= (NM_001363790.1); c.*542G>A (NM_153335.6); short protein forms R385H, R356H, R327H, R348H, R377H.
Identifiers: ClinVar variation 536753 (VCV000536753.10), dbSNP rs751571199, ClinGen allele CA8703072.
Genomic context (GRCh38, chr17:63,703,741, plus strand): 5'-CCCTCAAAATTGGTGATGGGGGTGACAGGACGAAGCAATTCGGGCAAAGCCTCTGAGGCA[C>T]GTCGCTTGATCTGGGGGAGAAGAGAGAGGTGGGTGACAGATCCTGTTGCTCTGGGTCCCA-3'
Protein context (NP_001003787.1, residues 375-395): NHSFFKQIKR[Arg385His]ASEALPELLR

ClinVar aggregate classification (germline): Uncertain significance (1 of 4 stars; one submission).

Conditions:
Polyhydramnios, megalencephaly, and symptomatic epilepsy (PMSE). Also called: PMSE SYNDROME. Identifiers: Orphanet 500533, MedGen C1970203, MONDO:0012611, OMIM 611087.

Allele frequency attached by ClinVar (database versions not stated): TOPMed below 0.00001; gnomAD 0.00001; ExAC 0.00002; gnomAD exomes 0.00001.
gnomAD v4.1: 9 of 1,613,944 alleles (0.00056%); highest among the groups gnomAD compares: East Asian, 0.0022%; no homozygotes.

Submission:

Labcorp Genetics (formerly Invitae), Labcorp
Classification: Uncertain significance for Polyhydramnios, megalencephaly, and symptomatic epilepsy. Last evaluated: 2024-09-06. Review status: criteria provided, single submitter. Criteria: Invitae Variant Classification Sherloc (09022015). Collection method: clinical testing. Allele origin: germline.
Comment: This sequence change replaces arginine, which is basic and polar, with histidine, which is basic and polar, at codon 385 of the STRADA protein (p.Arg385His). This variant is present in population databases (rs751571199, gnomAD 0.006%). This variant has not been reported in the literature in individuals affected with STRADA-related conditions. ClinVar contains an entry for this variant (Variation ID: 536753). An algorithm developed to predict the effect of missense changes on protein structure and function (PolyPhen-2) suggests that this variant is likely to be tolerated. In summary, the available evidence is currently insufficient to determine the role of this variant in disease. Therefore, it has been classified as a Variant of Uncertain Significance.